The following is an entry in ClinVar:

NM_016507.4(CDK12):c.1248T>C (p.Asp416=)

Gene: CDK12 (cyclin dependent kinase 12; plus strand). Cytogenetic location: 17q12.
Variant type: single nucleotide variant.
Coding change: c.1248T>C on transcript NM_016507.4 (MANE Select); coding-DNA position 1248, T replaced by C.
Protein change: p.Asp416=; no amino-acid change (aspartic acid 416 retained).
Molecular consequence: synonymous variant.
Genome position (GRCh38, 1-based): chr17:39,471,080, T>C. VCF-style: chr17-39471080-T-C. GRCh37 (hg19) VCF-style: chr17-37627333-T-C.
Other names: c.1248T>C, p.Asp416= (NM_015083.4); c.1248T>C (NM_016507.2).
Identifiers: ClinVar variation 3040105 (VCV003040105.3), dbSNP rs144241130, ClinGen allele CA8531109.
Genomic context (GRCh38, chr17:39,471,080, plus strand): 5'-AGCTGAACTCAGTAGGAAAAAGAAGGAAAGAGCAGCTGCTGCTGCTGCAGCAAAGATGGA[T>C]GGAAAGGAGTCCAAGGGTTCACCTGTATTTTTGCCTAGAAAAGAGAACAGTTCAGTAGAG-3'
Protein context (NP_057591.2, residues 406-426): RAAAAAAAKM[Asp416=]GKESKGSPVF

ClinVar aggregate classification (germline): Likely benign. Review status: criteria provided, single submitter (1 of 4 stars). 2 submissions from 2 submitters: Likely benign (1). 1 of the submissions does not count toward it. Last evaluated 2024-11-22.

Conditions:
CDK12-related disorder. Also called: CDK12-related condition.

Allele frequency attached by ClinVar (database versions not stated): gnomAD exomes 0.00008; ExAC 0.00023; gnomAD 0.00084; ESP Exome Variant Server 0.00085; TOPMed 0.00099; 1000 Genomes Project 0.00120; 1000 Genomes Project 30x 0.00141.
gnomAD v4.1: 250 of 1,613,740 alleles (0.015%); highest among the groups gnomAD compares: African/African-American, 0.29%; no homozygotes.

Submissions (2):

Ambry Genetics
Classification: Likely benign. Last evaluated: 2024-11-22. Review status: criteria provided, single submitter. Criteria: Ambry Variant Classification Scheme 2023. Collection method: clinical testing. Allele origin: germline.

PreventionGenetics, part of Exact Sciences
Classification: Likely benign for CDK12-related condition. Last evaluated: 2019-09-10. Review status: no assertion criteria provided. Collection method: clinical testing. Allele origin: germline. Not counted in ClinVar's aggregate classification.
Comment: This variant is classified as likely benign based on ACMG/AMP sequence variant interpretation guidelines (Richards et al. 2015 PMID: 25741868, with internal and published modifications).